The following is an entry in ClinVar:

NM_006831.3(CLP1):c.229G>A (p.Gly77Ser)

Gene: CLP1 (cleavage factor polyribonucleotide kinase subunit 1; plus strand). Cytogenetic location: 11q12.1.
Variant type: single nucleotide variant.
Coding change: c.229G>A on transcript NM_006831.3 (MANE Select); coding-DNA position 229, G replaced by A.
Protein change: p.Gly77Ser; replaces glycine 77 with serine.
Molecular consequence: missense variant.
Genome position (GRCh38, 1-based): chr11:57,659,705, G>A. VCF-style: chr11-57659705-G-A. GRCh37 (hg19) VCF-style: chr11-57427177-G-A.
Other names: c.229G>A, p.Gly77Ser (NM_001142597.2); c.229G>A (NM_006831.2); short protein forms G77S.
Identifiers: ClinVar variation 2044997 (VCV002044997.5), dbSNP rs763420366, ClinGen allele CA6008487.
Genomic context (GRCh38, chr11:57,659,705, plus strand): 5'-TTTGATGCTGGTGCCAAGGTGGCTGTTTTCACTTGGCATGGCTGTTCTGTGCAACTGAGC[G>A]GCCGCACTGAGGTGGCTTATGTCTCCAAGGACACTCCTATGTTGCTTTACCTCAACACTC-3'
Protein context (NP_006822.1, residues 67-87): TWHGCSVQLS[Gly77Ser]RTEVAYVSKD

ClinVar aggregate classification (germline): Uncertain significance. Review status: criteria provided, multiple submitters, no conflicts (2 of 4 stars). 2 submissions from 2 submitters: Uncertain significance (2). Last evaluated 2025-08-20.

Conditions:
Inborn genetic diseases. Identifiers: MedGen C0950123, MeSH D030342.

Allele frequency attached by ClinVar (database versions not stated): gnomAD exomes 0.00002; ExAC 0.00001.
gnomAD v4.1: 35 of 1,613,968 alleles (0.0022%); highest among the groups gnomAD compares: South Asian, 0.0033%; no homozygotes.

Submissions (2):

Ambry Genetics
Classification: Uncertain significance for Inborn genetic diseases. Last evaluated: 2025-08-20. Review status: criteria provided, single submitter. Criteria: Ambry Variant Classification Scheme 2023. Collection method: clinical testing. Allele origin: germline.

Labcorp Genetics (formerly Invitae), Labcorp
Classification: Uncertain significance. Last evaluated: 2022-06-29. Review status: criteria provided, single submitter. Criteria: Invitae Variant Classification Sherloc (09022015). Collection method: clinical testing. Allele origin: germline.
Comment: In summary, the available evidence is currently insufficient to determine the role of this variant in disease. Therefore, it has been classified as a Variant of Uncertain Significance. Algorithms developed to predict the effect of missense changes on protein structure and function are either unavailable or do not agree on the potential impact of this missense change (SIFT: "Tolerated"; PolyPhen-2: "Probably Damaging"; Align-GVGD: "Class C0"). This variant has not been reported in the literature in individuals affected with CLP1-related conditions. This variant is present in population databases (rs763420366, gnomAD 0.006%). This sequence change replaces glycine, which is neutral and non-polar, with serine, which is neutral and polar, at codon 77 of the CLP1 protein (p.Gly77Ser).